The following is an entry in ClinVar:

NM_001127511.3(APC):c.166-28465A>G

Gene: APC (APC regulator of Wnt signaling pathway; plus strand). Cytogenetic location: 5q22.2.
Variant type: single nucleotide variant.
Coding change: c.166-28465A>G on transcript NM_001127511.3; 28465 bases into the intron before coding-DNA position 166, A replaced by G.
Molecular consequence: intron variant.
Genome position (GRCh38, 1-based): chr5:112,737,861, A>G. VCF-style: chr5-112737861-A-G. GRCh37 (hg19) VCF-style: chr5-112073558-A-G.
Other names: c.-83A>G (NM_000038.4); c.-191A>G (NM_001127510.1); c.-1053-17012A>G (NM_001407470.1, NM_001407472.1); c.-18-17012A>G (NM_001407447.1, NM_001354895.2, NM_001407456.1 and 7 more transcripts); c.166-28465A>G (NM_001407446.1, NM_001354897.2, NM_001354902.2); c.-42-28465A>G (NM_001407453.1).
Identifiers: ClinVar variation 4982145 (VCV004982145.1).

ClinVar aggregate classification (germline): Likely benign (1 of 4 stars; one submission).

Conditions:
APC-related disorder. Also called: APC-related condition.

Submission:

PreventionGenetics, part of Exact Sciences
Classification: Likely benign for APC-related condition. Last evaluated: 2024-10-04. Review status: criteria provided, single submitter. Criteria: ACMG Guidelines, 2015. Collection method: clinical testing. Allele origin: germline.
Comment: This variant is classified as likely benign based on ACMG/AMP sequence variant interpretation guidelines (Richards et al. 2015 PMID: 25741868, with internal and published modifications).